The following is an entry in ClinVar:

ClinVar aggregate classification (germline): Uncertain significance (1 of 4 stars; one submission).

gnomAD v4.1: 331 of 1,551,710 alleles (0.021%); highest among the groups gnomAD compares: Non-Finnish European, 0.023%; no homozygotes.

Submission:

Labcorp Genetics (formerly Invitae), Labcorp
Classification: Uncertain significance. Last evaluated: 2026-01-27. Review status: criteria provided, single submitter. Criteria: Invitae Variant Classification Sherloc (09022015). Collection method: clinical testing. Allele origin: germline.
Comment: This sequence change creates a premature translational stop signal (p.Tyr206*) in the PALM gene. While this is not anticipated to result in nonsense mediated decay, it is expected to disrupt the last 182 amino acid(s) of the PALM protein. This variant is present in population databases (rs771290316, gnomAD 0.1%), and has an allele count higher than expected for a pathogenic variant. This variant has not been reported in the literature in individuals affected with PALM-related conditions. ClinVar contains an entry for this variant (Variation ID: 1514826). Experimental studies and prediction algorithms are not available or were not evaluated, and the functional significance of this variant is currently unknown. In summary, the available evidence is currently insufficient to determine the role of this variant in disease. Therefore, it has been classified as a Variant of Uncertain Significance.

NM_002579.3(PALM):c.618C>A (p.Tyr206Ter)

Gene: PALM (paralemmin; plus strand). Cytogenetic location: 19p13.3.
Variant type: single nucleotide variant.
Coding change: c.618C>A on transcript NM_002579.3 (MANE Select); coding-DNA position 618, C replaced by A.
Protein change: p.Tyr206Ter; replaces tyrosine 206 with a stop codon.
Molecular consequence: nonsense. On other transcripts: intron variant (1).
Genome position (GRCh38, 1-based): chr19:740,467, C>A. VCF-style: chr19-740467-C-A. GRCh37 (hg19) VCF-style: chr19-740467-C-A.
Other names: c.502+4389C>A (NM_001040134.2); short protein forms Y206*.
Identifiers: ClinVar variation 1514826 (VCV001514826.6), dbSNP rs771290316, ClinGen allele CA9022700.
Genomic context (GRCh38, chr19:740,467, plus strand): 5'-GGTGCTGTCCAGCACCACGCTGCTCCCTCGGCAGCCGCTCCCTCTGGGCATCAAAGTCTA[C>A]GAGGACGAGACCAAAGGTACGAGCACCCCGGCCCCTGCCCTCCCTCCACCTGGGCCAGAG-3'